The following is an entry in ClinVar:

ClinVar aggregate classification (germline): Benign. Review status: criteria provided, multiple submitters, no conflicts (2 of 4 stars). 2 submissions from 2 submitters: Benign (2). Last evaluated 2018-06-16.

Allele frequency attached by ClinVar (database versions not stated): ESP Exome Variant Server 0.00015; gnomAD 0.00115 and 0.00174; gnomAD exomes 0.00173 and 0.00448; TOPMed 0.00221; ExAC 0.00436; 1000 Genomes Project 30x 0.00843; 1000 Genomes Project 0.00978.
gnomAD v4.1: 2,656 of 1,537,112 alleles (0.17%); highest among the groups gnomAD compares: East Asian, 5.3%; 68 homozygotes.

Submissions (2):

GeneDx
Classification: Benign. Last evaluated: 2018-06-16. Review status: criteria provided, single submitter. Criteria: GeneDx Variant Classification (06012015). Collection method: clinical testing. Allele origin: germline. Affected: yes.
Comment: This variant is considered likely benign or benign based on one or more of the following criteria: it is a conservative change, it occurs at a poorly conserved position in the protein, it is predicted to be benign by multiple in silico algorithms, and/or has population frequency not consistent with disease.

Breakthrough Genomics
Classification: Benign. Review status: criteria provided, single submitter. Criteria: ACMG Guidelines, 2015. Collection method: not provided. Allele origin: germline. Inheritance: Autosomal recessive inheritance. Affected: yes.

NM_024996.7(GFM1):c.1601+38A>G

Genes: GFM1 (G elongation factor mitochondrial 1; plus strand), LXN (latexin; minus strand). Cytogenetic location: 3q25.32.
Variant type: single nucleotide variant.
Coding change: c.1601+38A>G on transcript NM_024996.7 (MANE Select); 38 bases into the intron after coding-DNA position 1601, A replaced by G.
Molecular consequence: intron variant. On other transcripts: 3 prime UTR variant (1).
Genome position (GRCh38, 1-based): chr3:158,666,424, A>G. VCF-style: chr3-158666424-A-G. GRCh37 (hg19) VCF-style: chr3-158384213-A-G.
Other names: c.*222T>C (NM_020169.4); c.1658+38A>G (NM_001308164.2); c.1376+38A>G (NM_001374357.1); c.1520+38A>G (NM_001374355.1); c.1484+38A>G (NM_001374356.1); c.1034+38A>G (NM_001374359.1, NM_001374360.1); c.917+38A>G (NM_001374361.1); c.1142+38A>G (NM_001374358.1); and 1 more.
Identifiers: ClinVar variation 678894 (VCV000678894.3), dbSNP rs78832083, ClinGen allele CA2682712.